The following is an entry in ClinVar:

NM_016219.5(MAN1B1):c.256A>G (p.Ile86Val)

Gene: MAN1B1 (mannosidase alpha class 1B member 1; plus strand). Cytogenetic location: 9q34.3.
Variant type: single nucleotide variant.
Coding change: c.256A>G on transcript NM_016219.5 (MANE Select); coding-DNA position 256, A replaced by G.
Protein change: p.Ile86Val; replaces isoleucine 86 with valine.
Molecular consequence: missense variant. On other transcripts: non-coding transcript variant (2).
Genome position (GRCh38, 1-based): chr9:137,088,111, A>G. VCF-style: chr9-137088111-A-G. GRCh37 (hg19) VCF-style: chr9-139982563-A-G.
Other names: c.256A>G (NM_016219.3); c.148A>G, p.Ile50Val (NM_007230.1); short protein forms I50V, I86V.
Identifiers: ClinVar variation 2060713 (VCV002060713.2), dbSNP rs747428295, ClinGen allele CA5358527.

ClinVar aggregate classification (germline): Uncertain significance. Review status: criteria provided, multiple submitters, no conflicts (2 of 4 stars). 2 submissions from 2 submitters: Uncertain significance (2). Last evaluated 2025-08-14.

Conditions:
Inborn genetic diseases. Identifiers: MedGen C0950123, MeSH D030342.
Rafiq syndrome (RAFQS). Identifiers: Orphanet 88616, MedGen C3280127, MONDO:0013624, OMIM 614202.

Allele frequency attached by ClinVar (database versions not stated): gnomAD 0.00001; gnomAD exomes 0.00004; TOPMed 0.00004; ExAC 0.00007.
gnomAD v4.1: 27 of 1,614,032 alleles (0.0017%); highest among the groups gnomAD compares: Admixed American, 0.042%; no homozygotes.

Submissions (2):

Ambry Genetics
Classification: Uncertain significance for Inborn genetic diseases. Last evaluated: 2025-08-14. Review status: criteria provided, single submitter. Criteria: Ambry Variant Classification Scheme 2023. Collection method: clinical testing. Allele origin: germline.

Labcorp Genetics (formerly Invitae), Labcorp
Classification: Uncertain significance for Rafiq syndrome. Last evaluated: 2022-08-22. Review status: criteria provided, single submitter. Criteria: Invitae Variant Classification Sherloc (09022015). Collection method: clinical testing. Allele origin: germline.
Comment: This sequence change replaces isoleucine, which is neutral and non-polar, with valine, which is neutral and non-polar, at codon 86 of the MAN1B1 protein (p.Ile86Val). This variant is present in population databases (rs747428295, gnomAD 0.07%). This variant has not been reported in the literature in individuals affected with MAN1B1-related conditions. Algorithms developed to predict the effect of missense changes on protein structure and function output the following: SIFT: "Tolerated"; PolyPhen-2: "Benign"; Align-GVGD: "Class C0". The valine amino acid residue is found in multiple mammalian species, which suggests that this missense change does not adversely affect protein function. In summary, the available evidence is currently insufficient to determine the role of this variant in disease. Therefore, it has been classified as a Variant of Uncertain Significance.